The following is an entry in ClinVar:

ClinVar aggregate classification (germline): Uncertain significance. Review status: criteria provided, multiple submitters, no conflicts (2 of 4 stars). 2 submissions from 2 submitters: Uncertain significance (2). Last evaluated 2024-05-13.

Conditions:
Hereditary breast ovarian cancer syndrome. Also called: Hereditary breast and ovarian cancer syndrome; Hereditary breast and ovarian cancer syndrome (HBOC); BRCA1- and BRCA2-Associated Hereditary Breast and Ovarian Cancer; Hereditary breast and/or ovarian cancer syndrome; Hereditary breast and ovarian cancer; Breast and ovarian cancer. Identifiers: Orphanet 145, MedGen C0677776, MeSH D061325, MONDO:0003582. Disease mechanism: loss of function.

Submissions (2):

ARUP Laboratories, Molecular Genetics and Genomics, ARUP Laboratories
Classification: Uncertain significance. Last evaluated: 2024-05-13. Review status: criteria provided, single submitter. Criteria: ARUP Molecular Germline Variant Investigation Process 2024. Collection method: clinical testing. Allele origin: germline.
Comment: The BRCA2 c.7432T>G; p.Leu2478Val variant (rs1566241362), to our knowledge, is not reported in the medical literature in individuals with a BRCA2-related condition but is reported in ClinVar (Variation ID: 581476). This variant is absent from the Genome Aggregation Database (v2.1.1), indicating it is not a common polymorphism. Computational analyses are uncertain whether this variant is neutral or deleterious (REVEL: 0.172). Due to limited information, the clinical significance of this variant is uncertain at this time.

Labcorp Genetics (formerly Invitae), Labcorp
Classification: Uncertain significance for Hereditary breast ovarian cancer syndrome. Last evaluated: 2024-04-15. Review status: criteria provided, single submitter. Criteria: Invitae Variant Classification Sherloc (09022015). Collection method: clinical testing. Allele origin: germline.
Comment: This sequence change replaces leucine, which is neutral and non-polar, with valine, which is neutral and non-polar, at codon 2478 of the BRCA2 protein (p.Leu2478Val). This variant is not present in population databases (gnomAD no frequency). This variant has not been reported in the literature in individuals affected with BRCA2-related conditions. ClinVar contains an entry for this variant (Variation ID: 581476). Advanced modeling of protein sequence and biophysical properties (such as structural, functional, and spatial information, amino acid conservation, physicochemical variation, residue mobility, and thermodynamic stability) performed at Invitae indicates that this missense variant is not expected to disrupt BRCA2 protein function with a negative predictive value of 95%. Algorithms developed to predict the effect of sequence changes on RNA splicing suggest that this variant may disrupt the consensus splice site. In summary, the available evidence is currently insufficient to determine the role of this variant in disease. Therefore, it has been classified as a Variant of Uncertain Significance.

NM_000059.4(BRCA2):c.7432T>G (p.Leu2478Val)

Gene: BRCA2 (BRCA2 DNA repair associated; plus strand). Cytogenetic location: 13q13.1.
Variant type: single nucleotide variant.
Coding change: c.7432T>G on transcript NM_000059.4 (MANE Select); coding-DNA position 7432, T replaced by G.
Protein change: p.Leu2478Val; replaces leucine 2478 with valine.
Molecular consequence: missense variant.
Genome position (GRCh38, 1-based): chr13:32,355,285, T>G. VCF-style: chr13-32355285-T-G. GRCh37 (hg19) VCF-style: chr13-32929422-T-G.
Other names: short protein forms L2478V.
Identifiers: ClinVar variation 581476 (VCV000581476.12), dbSNP rs1566241362, ClinGen allele CA387742108.